The following is an entry in ClinVar:

ClinVar aggregate classification (germline): Uncertain significance (1 of 4 stars; one submission).

Allele frequency attached by ClinVar (database versions not stated): gnomAD exomes below 0.00001; TOPMed below 0.00001.
gnomAD v4.1: 2 of 1,613,530 alleles (0.00012%); highest among the groups gnomAD compares: South Asian, 0.0011%; no homozygotes.

Submission:

Ambry Genetics
Classification: Uncertain significance. Last evaluated: 2021-11-10. Review status: criteria provided, single submitter. Criteria: Ambry Variant Classification Scheme 2023. Collection method: clinical testing. Allele origin: germline.
Comment: The p.V1586I variant (also known as c.4756G>A), located in coding exon 16 of the POLQ gene, results from a G to A substitution at nucleotide position 4756. The valine at codon 1586 is replaced by isoleucine, an amino acid with highly similar properties. This amino acid position is conserved. In addition, this alteration is predicted to be tolerated by in silico analysis. Since supporting evidence is limited at this time, the clinical significance of this alteration remains unclear.

NM_199420.4(POLQ):c.4756G>A (p.Val1586Ile)

Gene: POLQ (DNA polymerase theta; minus strand). Cytogenetic location: 3q13.33.
Variant type: single nucleotide variant.
Coding change: c.4756G>A on transcript NM_199420.4 (MANE Select); coding-DNA position 4756, G replaced by A.
Protein change: p.Val1586Ile; replaces valine 1586 with isoleucine.
Molecular consequence: missense variant.
Genome position (GRCh38, 1-based): chr3:121,488,175, C>T on the plus strand (G>A on the coding strand, the complement: POLQ is on the minus strand). VCF-style: chr3-121488175-C-T. GRCh37 (hg19) VCF-style: chr3-121207022-C-T.
Other names: short protein forms V1586I.
Identifiers: ClinVar variation 1742866 (VCV001742866.2), dbSNP rs2048030283, ClinGen allele CA354093940.
Genomic context (GRCh38, chr3:121,488,175, plus strand): 5'-GATCACCTTGGTGGTGCTCATCAAGTACTGGATCACTTAGTTCTAATGCTCTAGGAGATA[C>T]TACAGTATGATTCTTCTCTTGGACAGGAAATATATCCACATTGTCCAAAGCTTCAACCAT-3'
Protein context (NP_955452.3, residues 1576-1596): FPVQEKNHTV[Val1586Ile]SPRALELSDP